The following is an entry in ClinVar:

ClinVar aggregate classification (germline): Uncertain significance (1 of 4 stars; one submission).

Allele frequency attached by ClinVar (database versions not stated): gnomAD 0.00001; gnomAD exomes 0.00001; ExAC 0.00002; TOPMed 0.00002; ESP Exome Variant Server 0.00008.
gnomAD v4.1: 5 of 1,613,654 alleles (0.00031%); highest among the groups gnomAD compares: African/African-American, 0.004%; no homozygotes.

Submission:

Labcorp Genetics (formerly Invitae), Labcorp
Classification: Uncertain significance. Last evaluated: 2024-10-28. Review status: criteria provided, single submitter. Criteria: Invitae Variant Classification Sherloc (09022015). Collection method: clinical testing. Allele origin: germline.
Comment: This sequence change replaces isoleucine, which is neutral and non-polar, with valine, which is neutral and non-polar, at codon 659 of the MKL1 protein (p.Ile659Val). This variant is present in population databases (rs368485411, gnomAD 0.008%). This variant has not been reported in the literature in individuals affected with MKL1-related conditions. ClinVar contains an entry for this variant (Variation ID: 1962557). An algorithm developed to predict the effect of missense changes on protein structure and function outputs the following: PolyPhen-2: "Benign". The valine amino acid residue is found in multiple mammalian species, which suggests that this missense change does not adversely affect protein function. In summary, the available evidence is currently insufficient to determine the role of this variant in disease. Therefore, it has been classified as a Variant of Uncertain Significance.

NM_020831.6(MRTFA):c.2275A>G (p.Ile759Val)

Gene: MRTFA (myocardin related transcription factor A; minus strand). Cytogenetic location: 22q13.1.
Variant type: single nucleotide variant.
Coding change: c.2275A>G on transcript NM_020831.6 (MANE Select); coding-DNA position 2275, A replaced by G.
Protein change: p.Ile759Val; replaces isoleucine 759 with valine.
Molecular consequence: missense variant.
Genome position (GRCh38, 1-based): chr22:40,418,463, T>C on the plus strand (A>G on the coding strand, the complement: MRTFA is on the minus strand). VCF-style: chr22-40418463-T-C. GRCh37 (hg19) VCF-style: chr22-40814467-T-C.
Other names: c.1975A>G, p.Ile659Val (NM_001282660.2); c.2125A>G, p.Ile709Val (NM_001282661.3); c.2275A>G, p.Ile759Val (NM_001282662.3); c.2080A>G, p.Ile694Val (NM_001318139.2); short protein forms I694V, I659V, I759V, I709V.
Identifiers: ClinVar variation 1962557 (VCV001962557.5), dbSNP rs368485411, ClinGen allele CA10249388.